The following is an entry in ClinVar:

ClinVar aggregate classification (germline): Likely benign (1 of 4 stars; one submission).

Allele frequency attached by ClinVar (database versions not stated): gnomAD exomes 0.00027 and 0.00070; ExAC 0.00095; gnomAD 0.00265 and 0.00285; TOPMed 0.00312; 1000 Genomes Project 0.00379; 1000 Genomes Project 30x 0.00390; ESP Exome Variant Server 0.00423.
gnomAD v4.1: 810 of 1,611,148 alleles (0.05%); highest among the groups gnomAD compares: African/African-American, 0.98%; 3 homozygotes.

Submission:

GeneDx
Classification: Likely benign. Last evaluated: 2018-01-23. Review status: criteria provided, single submitter. Criteria: GeneDx Variant Classification (06012015). Collection method: clinical testing. Allele origin: germline. Affected: yes.
Comment: This variant is considered likely benign or benign based on one or more of the following criteria: it is a conservative change, it occurs at a poorly conserved position in the protein, it is predicted to be benign by multiple in silico algorithms, and/or has population frequency not consistent with disease.

NM_000942.5(PPIB):c.-20G>A

Gene: PPIB (peptidylprolyl isomerase B; minus strand). Cytogenetic location: 15q22.31.
Variant type: single nucleotide variant.
Coding change: c.-20G>A on transcript NM_000942.5 (MANE Select); 20 bases upstream of the start codon, G replaced by A.
Molecular consequence: 5 prime UTR variant.
Genome position (GRCh38, 1-based): chr15:64,163,006, C>T on the plus strand (G>A on the coding strand, the complement: PPIB is on the minus strand). VCF-style: chr15-64163006-C-T. GRCh37 (hg19) VCF-style: chr15-64455205-C-T.
Identifiers: ClinVar variation 515095 (VCV000515095.1), dbSNP rs188404221, ClinGen allele CA7608654.
Genomic context (GRCh38, chr15:64,163,006, plus strand): 5'-GCAAGGAGCACCTTCATGTTGCGTTCGGAGAGGCGCAGCATCCACAGGCGGAGGCGAAAG[C>T]AGCCCGGACAGCTGAGGCCGGAAGAGGGTGGGGCCGCGGTGGCTAGGGAGCCGGCGCCGC-3'